The following is an entry in ClinVar:

NM_000100.4(CSTB):c.66+3G>C

Genes: CSTB (cystatin B; minus strand), LOC130066788 (ATAC-STARR-seq lymphoblastoid silent region 13368; plus strand). Cytogenetic location: 21q22.3.
Variant type: single nucleotide variant.
Coding change: c.66+3G>C on transcript NM_000100.4 (MANE Select); 3 bases into the intron after coding-DNA position 66, G replaced by C.
Molecular consequence: intron variant.
Genome position (GRCh38, 1-based): chr21:43,776,201, C>G on the plus strand (G>C on the coding strand, the complement: CSTB is on the minus strand). VCF-style: chr21-43776201-C-G. GRCh37 (hg19) VCF-style: chr21-45196082-C-G.
Identifiers: ClinVar variation 2152912 (VCV002152912.4), dbSNP rs1193770627, ClinGen allele CA1022688865.

ClinVar aggregate classification (germline): Uncertain significance (1 of 4 stars; one submission).

Conditions:
Progressive myoclonic epilepsy. Also called: Familial progressive myoclonic epilepsy; Myoclonic Epilepsies, Progressive; Myoclonus epilepsy; Progressive myoclonus epilepsy. Identifiers: Orphanet 308, Orphanet 98261, MedGen C0751778, MONDO:0020074.

Allele frequency attached by ClinVar (database versions not stated): TOPMed below 0.00001; gnomAD 0.00001.

Submission:

Labcorp Genetics (formerly Invitae), Labcorp
Classification: Uncertain significance for Progressive myoclonic epilepsy. Last evaluated: 2022-08-08. Review status: criteria provided, single submitter. Criteria: Invitae Variant Classification Sherloc (09022015). Collection method: clinical testing. Allele origin: germline.
Comment: This variant has not been reported in the literature in individuals affected with CSTB-related conditions. In summary, the available evidence is currently insufficient to determine the role of this variant in disease. Therefore, it has been classified as a Variant of Uncertain Significance. Variants that disrupt the consensus splice site are a relatively common cause of aberrant splicing (PMID: 17576681, 9536098). Algorithms developed to predict the effect of sequence changes on RNA splicing suggest that this variant is not likely to affect RNA splicing. This variant is not present in population databases (gnomAD no frequency). This sequence change falls in intron 1 of the CSTB gene. It does not directly change the encoded amino acid sequence of the CSTB protein. It affects a nucleotide within the consensus splice site.

Literature cited by the submitters: PubMed 17576681; PubMed 9536098.